The following is an entry in ClinVar:

ClinVar aggregate classification (germline): Benign/Likely benign. Review status: criteria provided, multiple submitters, no conflicts (2 of 4 stars). 15 submissions from 12 submitters: Benign (7); Likely benign (7). 1 of the submissions does not count toward it. Last evaluated 2026-01-27.

Conditions:
Cardiovascular phenotype. Identifiers: MedGen CN230736.
Osteogenesis imperfecta type I (OI1). Also called: OI, TYPE I; OSTEOGENESIS IMPERFECTA TARDA; OSTEOGENESIS IMPERFECTA WITH BLUE SCLERAE; Classic Non-deforming Osteogenesis Imperfecta with Blue Sclerae; Lobstein disease; Lobstein's Disease. Identifiers: Orphanet 216796, Orphanet 666, MedGen C0023931, MONDO:0008146, OMIM 166200. Disease mechanism: loss of function.
Ehlers-Danlos syndrome, arthrochalasia type. Also called: EDS VII, MUTANT PROCOLLAGEN TYPE; EDS VIIA; Ehlers-Danlos syndrome, arthrochalasia type, 1; ARTHROCHALASIS MULTIPLEX CONGENITA; Ehlers-Danlos syndrome, arthrochalasis type. Identifiers: Orphanet 1899, Orphanet 99875, Orphanet 99876, MedGen C4551623, MONDO:0007525, OMIM 130060.
COL1A1-related disorder. Also called: COL1A1- related disease; COL1A1-related condition.
Ehlers-Danlos syndrome (EDS). Identifiers: Orphanet 98249, MedGen C0013720, MONDO:0020066.
Osteogenesis imperfecta (OI). Identifiers: Orphanet 666, MedGen C0029434, MeSH D010013, MONDO:0019019.
Infantile cortical hyperostosis. Also called: P1PK BLOOD GROUP SYSTEM, P(2) PHENOTYPE; Hyperostosis, Cortical, Congenital; Caffey Disease. Identifiers: Orphanet 1310, MedGen C0020497, MONDO:0007244, OMIM 114000.

Allele frequency attached by ClinVar (database versions not stated): gnomAD exomes 0.00022 and 0.00054; ExAC 0.00063; gnomAD 0.00129 and 0.00134; TOPMed 0.00141; ESP Exome Variant Server 0.00154; 1000 Genomes Project 30x 0.00203; 1000 Genomes Project 0.00220.
gnomAD v4.1: 550 of 1,614,108 alleles (0.034%); highest among the groups gnomAD compares: African/African-American, 0.42%; 2 homozygotes.

Submissions (15):

Labcorp Genetics (formerly Invitae), Labcorp
Classification: Benign for Osteogenesis imperfecta type I. Last evaluated: 2026-01-27. Review status: criteria provided, single submitter. Criteria: Invitae Variant Classification Sherloc (09022015). Collection method: clinical testing. Allele origin: germline.

Molecular Diagnostic Laboratory for Inherited Cardiovascular Disease, Montreal Heart Institute
Classification: Likely benign. Last evaluated: 2025-04-09. Review status: criteria provided, single submitter. Criteria: ACMG Guidelines, 2015. Collection method: clinical testing. Allele origin: germline. Affected: no.

Blueprint Genetics
Classification: Likely benign. Last evaluated: 2024-09-20. Review status: criteria provided, single submitter. Criteria: ACMG Guidelines, 2015. Collection method: clinical testing. Allele origin: germline.

ARUP Laboratories, Molecular Genetics and Genomics, ARUP Laboratories
Classification: Benign. Last evaluated: 2024-01-26. Review status: criteria provided, single submitter. Criteria: ARUP Molecular Germline Variant Investigation Process 2024. Collection method: clinical testing. Allele origin: germline.

Women's Health and Genetics/Laboratory Corporation of America, LabCorp
Classification: Benign. Last evaluated: 2023-05-15. Review status: criteria provided, single submitter. Criteria: LabCorp Variant Classification Summary - May 2015. Collection method: clinical testing. Allele origin: germline.
Comment: Variant summary: COL1A1 c.1873G>A (p.Ala625Thr) results in a non-conservative amino acid change in the encoded protein sequence. Three of five in-silico tools predict a benign effect of the variant on protein function. The variant allele was found at a frequency of 0.0006 in 282576 control chromosomes (gnomAD), predominantly at a frequency of 0.0047 within the African or African-American subpopulation in the gnomAD database. The observed variant frequency within African or African-American control individuals in the gnomAD database is approximately 167 fold of the estimated maximal expected allele frequency for a pathogenic variant in COL1A1 causing Osteogenesis Imperfecta (2.8e-05), strongly suggesting that the variant is a benign polymorphism found primarily in populations of African or African-American origin. To our knowledge, no occurrence of c.1873G>A in individuals affected with Osteogenesis Imperfecta and no experimental evidence demonstrating its impact on protein function have been reported. Eight ClinVar submitters have assessed the variant since 2014: four classified the variant as likely benign and four as benign. Based on the evidence outlined above, the variant was classified as benign.

GeneDx
Classification: Likely benign. Last evaluated: 2020-12-01. Review status: criteria provided, single submitter. Criteria: GeneDx Variant Classification Process June 2021. Collection method: clinical testing. Allele origin: germline. Affected: yes.

Genome Diagnostics Laboratory, The Hospital for Sick Children
Classification: Likely benign for Osteogenesis imperfecta. Last evaluated: 2020-05-01. Review status: criteria provided, single submitter. Criteria: ACMG Guidelines, 2015. Collection method: clinical testing. Allele origin: germline.

Genome Diagnostics Laboratory, The Hospital for Sick Children
Classification: Likely benign for Ehlers-Danlos syndrome. Last evaluated: 2020-05-01. Review status: criteria provided, single submitter. Criteria: ACMG Guidelines, 2015. Collection method: clinical testing. Allele origin: germline.

Ambry Genetics
Classification: Likely benign for Cardiovascular phenotype. Last evaluated: 2019-03-30. Review status: criteria provided, single submitter. Criteria: Ambry Variant Classification Scheme 2023. Collection method: clinical testing. Allele origin: germline.

Athena Diagnostics
Classification: Benign. Last evaluated: 2018-08-31. Review status: criteria provided, single submitter. Criteria: Athena Diagnostics Criteria. Collection method: clinical testing. Allele origin: germline.

Illumina Laboratory Services, Illumina
Classification: Benign for Ehlers-Danlos syndrome, arthrochalasia type. Last evaluated: 2018-01-13. Review status: criteria provided, single submitter. Criteria: ICSL Variant Classification Criteria 13 December 2019. Collection method: clinical testing. Allele origin: germline.
Comment: This variant was observed in the ICSL laboratory as part of a predisposition screen in an ostensibly healthy population. It had not been previously curated by ICSL or reported in the Human Gene Mutation Database (HGMD: prior to June 1st, 2018), and was therefore a candidate for classification through an automated scoring system. Utilizing variant allele frequency, disease prevalence and penetrance estimates, and inheritance mode, an automated score was calculated to assess if this variant is too frequent to cause the disease. Based on the score and internal cut-off values, a variant classified as benign is not then subjected to further curation. The score for this variant resulted in a classification of benign for this disease.

Illumina Laboratory Services, Illumina
Classification: Benign for Osteogenesis imperfecta. Last evaluated: 2018-01-13. Review status: criteria provided, single submitter. Criteria: ICSL Variant Classification Criteria 13 December 2019. Collection method: clinical testing. Allele origin: germline.
Comment: the same text as in the submission from Illumina Laboratory Services, Illumina above.

Illumina Laboratory Services, Illumina
Classification: Likely benign for Infantile cortical hyperostosis. Last evaluated: 2018-01-13. Review status: criteria provided, single submitter. Criteria: ICSL Variant Classification Criteria 13 December 2019. Collection method: clinical testing. Allele origin: germline.
Comment: This variant was observed in the ICSL laboratory as part of a predisposition screen in an ostensibly healthy population. It had not been previously curated by ICSL or reported in the Human Gene Mutation Database (HGMD: prior to June 1st, 2018), and was therefore a candidate for classification through an automated scoring system. Utilizing variant allele frequency, disease prevalence and penetrance estimates, and inheritance mode, an automated score was calculated to assess if this variant is too frequent to cause the disease. Based on the score and internal cut-off values, a variant classified as likely benign is not then subjected to further curation. The score for this variant resulted in a classification of likely benign for this disease.

Eurofins Ntd Llc (ga)
Classification: Benign. Last evaluated: 2015-04-27. Review status: criteria provided, single submitter. Criteria: EGL Classification Definitions 2015. Collection method: clinical testing. Allele origin: germline. Observed: 1 variant allele, 1 heterozygote.

PreventionGenetics, part of Exact Sciences
Classification: Likely benign for COL1A1-related condition. Last evaluated: 2019-04-29. Review status: no assertion criteria provided. Collection method: clinical testing. Allele origin: germline. Not counted in ClinVar's aggregate classification.
Comment: This variant is classified as likely benign based on ACMG/AMP sequence variant interpretation guidelines (Richards et al. 2015 PMID: 25741868, with internal and published modifications).

NM_000088.4(COL1A1):c.1873G>A (p.Ala625Thr)

Gene: COL1A1 (collagen type I alpha 1 chain; minus strand). Cytogenetic location: 17q21.33.
Variant type: single nucleotide variant.
Coding change: c.1873G>A on transcript NM_000088.4 (MANE Select); coding-DNA position 1873, G replaced by A.
Protein change: p.Ala625Thr; replaces alanine 625 with threonine.
Molecular consequence: missense variant.
Genome position (GRCh38, 1-based): chr17:50,192,799, C>T on the plus strand (G>A on the coding strand, the complement: COL1A1 is on the minus strand). VCF-style: chr17-50192799-C-T. GRCh37 (hg19) VCF-style: chr17-48270160-C-T.
Other names: short protein forms A625T.
Identifiers: ClinVar variation 196007 (VCV000196007.36), dbSNP rs149561221, ClinGen allele CA202073.